The following is an entry in ClinVar:

NM_022915.5(MRPL44):c.733C>T (p.Leu245=)

Gene: MRPL44 (mitochondrial ribosomal protein L44; plus strand). Cytogenetic location: 2q36.1.
Variant type: single nucleotide variant.
Coding change: c.733C>T on transcript NM_022915.5 (MANE Select); coding-DNA position 733, C replaced by T.
Protein change: p.Leu245=; no amino-acid change (leucine 245 retained).
Molecular consequence: synonymous variant.
Genome position (GRCh38, 1-based): chr2:223,963,840, C>T. VCF-style: chr2-223963840-C-T. GRCh37 (hg19) VCF-style: chr2-224828557-C-T.
Other names: c.733C>T (NM_022915.3).
Identifiers: ClinVar variation 2190662 (VCV002190662.6), dbSNP rs771719211, ClinGen allele CA2139107.

ClinVar aggregate classification (germline): Likely benign. Review status: criteria provided, single submitter (1 of 4 stars). 2 submissions from 2 submitters: Likely benign (1). 1 of the submissions does not count toward it. Last evaluated 2025-09-14.

Conditions:
MRPL44-related disorder. Also called: MRPL44-related condition.

Allele frequency attached by ClinVar (database versions not stated): gnomAD 0.00003; gnomAD exomes 0.00003; TOPMed 0.00003; ExAC 0.00006.

Submissions (2):

Labcorp Genetics (formerly Invitae), Labcorp
Classification: Likely benign. Last evaluated: 2025-09-14. Review status: criteria provided, single submitter. Criteria: Invitae Variant Classification Sherloc (09022015). Collection method: clinical testing. Allele origin: germline.

PreventionGenetics, part of Exact Sciences
Classification: Likely benign for MRPL44-related condition. Last evaluated: 2019-11-07. Review status: no assertion criteria provided. Collection method: clinical testing. Allele origin: germline. Not counted in ClinVar's aggregate classification.
Comment: This variant is classified as likely benign based on ACMG/AMP sequence variant interpretation guidelines (Richards et al. 2015 PMID: 25741868, with internal and published modifications).